The following is an entry in ClinVar:

NM_006514.4(SCN10A):c.2648A>G (p.Asn883Ser)

Gene: SCN10A (sodium voltage-gated channel alpha subunit 10; minus strand). Cytogenetic location: 3p22.2.
Variant type: single nucleotide variant.
Coding change: c.2648A>G on transcript NM_006514.4 (MANE Select); coding-DNA position 2648, A replaced by G.
Protein change: p.Asn883Ser; replaces asparagine 883 with serine.
Molecular consequence: missense variant.
Genome position (GRCh38, 1-based): chr3:38,727,045, T>C on the plus strand (A>G on the coding strand, the complement: SCN10A is on the minus strand). VCF-style: chr3-38727045-T-C. GRCh37 (hg19) VCF-style: chr3-38768536-T-C.
Other names: c.2648A>G, p.Asn883Ser (NM_001293306.2); c.2354A>G, p.Asn785Ser (NM_001293307.2); short protein forms N883S, N785S.
Identifiers: ClinVar variation 3664960 (VCV003664960.2).

ClinVar aggregate classification (germline): Uncertain significance (1 of 4 stars; one submission).

Conditions:
Brugada syndrome. Also called: Sudden Unexplained Death Syndrome; Sudden Unexplained Nocturnal Death Syndrome (SUNDS); Sudden unexpected nocturnal death syndrome; Sudden unexplained nocturnal death syndrome. Identifiers: Orphanet 130, MedGen C1142166, MONDO:0015263.

gnomAD v4.1: 1 of 1,603,840 alleles (0.000062%); highest among the groups gnomAD compares: Non-Finnish European, 0.000085%; no homozygotes.

Submission:

Labcorp Genetics (formerly Invitae), Labcorp
Classification: Uncertain significance for Brugada syndrome. Last evaluated: 2025-01-29. Review status: criteria provided, single submitter. Criteria: Invitae Variant Classification Sherloc (09022015). Collection method: clinical testing. Allele origin: germline.
Comment: This sequence change replaces asparagine, which is neutral and polar, with serine, which is neutral and polar, at codon 883 of the SCN10A protein (p.Asn883Ser). This variant is not present in population databases (gnomAD no frequency). This variant has not been reported in the literature in individuals affected with SCN10A-related conditions. Invitae Evidence Modeling of protein sequence and biophysical properties (such as structural, functional, and spatial information, amino acid conservation, physicochemical variation, residue mobility, and thermodynamic stability) has been performed for this missense variant. However, the output from this modeling did not meet the statistical confidence thresholds required to predict the impact of this variant on SCN10A protein function. In summary, the available evidence is currently insufficient to determine the role of this variant in disease. Therefore, it has been classified as a Variant of Uncertain Significance.